The following is an entry in ClinVar:

NM_002691.4(POLD1):c.795G>A (p.Trp265Ter)

Gene: POLD1 (DNA polymerase delta 1, catalytic subunit; plus strand). Cytogenetic location: 19q13.33.
Variant type: single nucleotide variant.
Coding change: c.795G>A on transcript NM_002691.4 (MANE Select); coding-DNA position 795, G replaced by A.
Protein change: p.Trp265Ter; replaces tryptophan 265 with a stop codon.
Molecular consequence: nonsense. On other transcripts: non-coding transcript variant (1).
Genome position (GRCh38, 1-based): chr19:50,402,490, G>A. VCF-style: chr19-50402490-G-A. GRCh37 (hg19) VCF-style: chr19-50905747-G-A.
Other names: c.795G>A, p.Trp265Ter (NM_001256849.1, NM_001308632.1); short protein forms W265*.
Identifiers: ClinVar variation 2428809 (VCV002428809.2), dbSNP rs2122250251, ClinGen allele CA406974939.

ClinVar aggregate classification (germline): Uncertain significance (1 of 4 stars; one submission).

Allele frequency attached by ClinVar (database versions not stated): gnomAD exomes below 0.00001.
gnomAD v4.1: 1 of 1,611,604 alleles (0.000062%); highest among the groups gnomAD compares: South Asian, 0.0011%; no homozygotes.

Submission:

GeneDx
Classification: Uncertain significance. Last evaluated: 2022-08-03. Review status: criteria provided, single submitter. Criteria: GeneDx Variant Classification Process June 2021. Collection method: clinical testing. Allele origin: germline. Affected: yes.
Comment: Nonsense variant predicted to result in protein truncation or nonsense mediated decay, but clinical significance is uncertain; Some missense variants in POLD1 have been recognized as an underlying cause of Polymerase Proofreading-Associated Polyposis (PPAP); however, there are no data at this time to support that loss-of-function variants confer the same cancer risks; Has not been previously published as pathogenic or benign to our knowledge; Not observed at significant frequency in large population cohorts (gnomAD)